The following is an entry in ClinVar:

ClinVar aggregate classification (germline): Uncertain significance (1 of 4 stars; one submission).

Allele frequency attached by ClinVar (database versions not stated): gnomAD exomes below 0.00001; TOPMed below 0.00001.

Submission:

Mayo Clinic Laboratories, Mayo Clinic
Classification: Uncertain significance. Last evaluated: 2022-10-12. Review status: criteria provided, single submitter. Criteria: ACMG Guidelines, 2015. Collection method: clinical testing. Allele origin: germline. Observed: 1 variant allele.
Comment: BP4, PM2

NM_198586.3(NHLRC1):c.431T>C (p.Val144Ala)

Gene: NHLRC1 (NHL repeat containing E3 ubiquitin protein ligase 1; minus strand). Cytogenetic location: 6p22.3.
Variant type: single nucleotide variant.
Coding change: c.431T>C on transcript NM_198586.3 (MANE Select); coding-DNA position 431, T replaced by C.
Protein change: p.Val144Ala; replaces valine 144 with alanine.
Molecular consequence: missense variant.
Genome position (GRCh38, 1-based): chr6:18,122,176, A>G on the plus strand (T>C on the coding strand, the complement: NHLRC1 is on the minus strand). VCF-style: chr6-18122176-A-G. GRCh37 (hg19) VCF-style: chr6-18122407-A-G.
Other names: p.Val144Ala; short protein forms V144A.
Identifiers: ClinVar variation 2682920 (VCV002682920.1), dbSNP rs1307605410, ClinGen allele CA362828063.
Genomic context (GRCh38, chr6:18,122,176, plus strand): 5'-AACTGATGCGCGCATCCTCCCCCTGAGTCAAAAATCTTGACACGCCTCCTGCCGTCGTGC[A>G]CCACCACGACACGCCCCGTCTTGGGACAAAGCGCCAGTCCGGTGGGGTTGACCAGGGTCC-3'
Protein context (NP_940988.2, residues 134-154): LCPKTGRVVV[Val144Ala]HDGRRRVKIF